The following is an entry in ClinVar:

ClinVar aggregate classification (germline): Uncertain significance. Review status: criteria provided, multiple submitters, no conflicts (2 of 4 stars). 2 submissions from 2 submitters: Uncertain significance (2). Last evaluated 2024-07-27.

Conditions:
Emery-Dreifuss muscular dystrophy (EDMD). Also called: Scapuloperoneal syndrome, X-linked (formerly); Humeroperoneal neuromuscular disease, (formerly). Identifiers: Orphanet 261, MedGen C0410189, MONDO:0016830.

Allele frequency attached by ClinVar (database versions not stated): gnomAD 0.00002; TOPMed 0.00002; ExAC 0.00005.
gnomAD v4.1: 22 of 1,589,450 alleles (0.0014%); highest among the groups gnomAD compares: Non-Finnish European, 0.0016%; no homozygotes.

Submissions (2):

Ambry Genetics
Classification: Uncertain significance. Last evaluated: 2024-07-27. Review status: criteria provided, single submitter. Criteria: Ambry Variant Classification Scheme 2023. Collection method: clinical testing. Allele origin: germline.

Labcorp Genetics (formerly Invitae), Labcorp
Classification: Uncertain significance for Emery-Dreifuss muscular dystrophy. Last evaluated: 2022-10-24. Review status: criteria provided, single submitter. Criteria: Invitae Variant Classification Sherloc (09022015). Collection method: clinical testing. Allele origin: germline.
Comment: This sequence change replaces methionine, which is neutral and non-polar, with isoleucine, which is neutral and non-polar, at codon 743 of the SUN1 protein (p.Met743Ile). This variant is present in population databases (rs746448753, gnomAD 0.009%). In summary, the available evidence is currently insufficient to determine the role of this variant in disease. Therefore, it has been classified as a Variant of Uncertain Significance. Algorithms developed to predict the effect of missense changes on protein structure and function output the following: SIFT: "Tolerated"; PolyPhen-2: "Benign"; Align-GVGD: "Class C0". The isoleucine amino acid residue is found in multiple mammalian species, which suggests that this missense change does not adversely affect protein function. This variant has not been reported in the literature in individuals affected with SUN1-related conditions.

NM_001130965.3(SUN1):c.2229G>C (p.Met743Ile)

Gene: SUN1 (Sad1 and UNC84 domain containing 1; plus strand). Cytogenetic location: 7p22.3.
Variant type: single nucleotide variant.
Coding change: c.2229G>C on transcript NM_001130965.3 (MANE Select); coding-DNA position 2229, G replaced by C.
Protein change: p.Met743Ile; replaces methionine 743 with isoleucine.
Molecular consequence: missense variant. On other transcripts: non-coding transcript variant (3), intron variant (12).
Genome position (GRCh38, 1-based): chr7:872,550, G>C. VCF-style: chr7-872550-G-C. GRCh37 (hg19) VCF-style: chr7-912187-G-C.
Other names: c.2472G>C, p.Met824Ile (NM_001367666.1); c.2271G>C, p.Met757Ile (NM_001367668.1); c.2256G>C, p.Met752Ile (NM_001367669.1); c.2079G>C, p.Met693Ile (NM_001367670.1); c.2076G>C, p.Met692Ile (NM_001367671.1); c.2196G>C, p.Met732Ile (NM_001367672.1); c.2361G>C, p.Met787Ile (NM_001367673.1); c.2427G>C, p.Met809Ile (NM_001367674.1); and 56 more; short protein forms M554I, M640I, M660I, M687I, M692I, M721I, M730I, M732I.
Identifiers: ClinVar variation 2057760 (VCV002057760.5), dbSNP rs746448753, ClinGen allele CA4112523.
Genomic context (GRCh38, chr7:872,550, plus strand): 5'-GGAAGAAGGGCAGCTTCTGGGACAGTTCACGTATGATCAGGATGGGGAGTCGCTCCAGAT[G>C]TTCCAGGCCCTGGTAAGAACTGGGACTGGCACTGCCTGGGGTCTCTGAGTCCCACAACTT-3'
Protein context (NP_001124437.1, residues 733-753): TYDQDGESLQ[Met743Ile]FQALKRPDDT